The following is an entry in ClinVar:

ClinVar aggregate classification (germline): Benign. Review status: criteria provided, multiple submitters, no conflicts (2 of 4 stars). 3 submissions from 3 submitters: Benign (3). Last evaluated 2025-09-08.

Conditions:
VHL-related disorder. Also called: VHL-related condition.

Allele frequency attached by ClinVar (database versions not stated): 1000 Genomes Project 0.00479; 1000 Genomes Project 30x 0.00531; gnomAD 0.01182 and 0.01217; ExAC 0.01185; TOPMed 0.01203; gnomAD exomes 0.01212 and 0.02035; ESP Exome Variant Server 0.01430.
gnomAD v4.1: 31,352 of 1,610,182 alleles (1.9%); highest among the groups gnomAD compares: Non-Finnish European, 2.4%; 385 homozygotes.

Submissions (3):

PreventionGenetics, part of Exact Sciences
Classification: Benign for VHL-related condition. Last evaluated: 2025-09-08. Review status: criteria provided, single submitter. Criteria: ACMG Guidelines, 2015. Collection method: clinical testing. Allele origin: germline.
Comment: This variant is classified as benign based on ACMG/AMP sequence variant interpretation guidelines (Richards et al. 2015 PMID: 25741868, with internal and published modifications).

Center for Genomic Medicine, Rigshospitalet, Copenhagen University Hospital
Classification: Benign. Last evaluated: 2025-03-04. Review status: criteria provided, single submitter. Criteria: ACMG Guidelines, 2015. Collection method: clinical testing. Allele origin: germline.

GeneDx
Classification: Benign. Last evaluated: 2015-03-03. Review status: criteria provided, single submitter. Criteria: GeneDx Variant Classification Process June 2021. Collection method: clinical testing. Allele origin: germline. Affected: yes.

NM_000551.4(VHL):c.463+43A>G

Genes: VHL (von Hippel-Lindau tumor suppressor; plus strand), LOC107303340 (3p25 von Hippel-Lindau tumor suppressor, E3 ubiquitin protein ligase Alu-mediated recombination region; plus strand). Cytogenetic location: 3p25.3.
Variant type: single nucleotide variant.
Coding change: c.463+43A>G on transcript NM_000551.4 (MANE Select); 43 bases into the intron after coding-DNA position 463, A replaced by G.
Molecular consequence: intron variant.
Genome position (GRCh38, 1-based): chr3:10,146,679, A>G. VCF-style: chr3-10146679-A-G. GRCh37 (hg19) VCF-style: chr3-10188363-A-G.
Other names: c.*18-3108A>G (NM_001354723.2); c.341-3108A>G (NM_198156.3); c.463+43A>G (NM_000551.3).
Identifiers: ClinVar variation 1244574 (VCV001244574.10), dbSNP rs34661876, ClinGen allele CA041139.